The following is an entry in ClinVar:

NM_024675.4(PALB2):c.2329G>A (p.Asp777Asn)

Gene: PALB2 (partner and localizer of BRCA2; minus strand). Cytogenetic location: 16p12.2.
Variant type: single nucleotide variant.
Coding change: c.2329G>A on transcript NM_024675.4 (MANE Select); coding-DNA position 2329, G replaced by A.
Protein change: p.Asp777Asn; replaces aspartic acid 777 with asparagine.
Molecular consequence: missense variant.
Genome position (GRCh38, 1-based): chr16:23,629,825, C>T on the plus strand (G>A on the coding strand, the complement: PALB2 is on the minus strand). VCF-style: chr16-23629825-C-T. GRCh37 (hg19) VCF-style: chr16-23641146-C-T.
Other names: p.D777N:GAC>AAC; short protein forms D777N.
Identifiers: ClinVar variation 182767 (VCV000182767.33), dbSNP rs148026749, ClinGen allele CA299728.

ClinVar aggregate classification (germline): Conflicting classifications of pathogenicity. Review status: criteria provided, conflicting classifications (1 of 4 stars). 9 submissions from 9 submitters: Uncertain significance (4); Likely benign (4). 1 of the submissions does not count toward it. Last evaluated 2026-01-20.

Conditions:
Hereditary cancer-predisposing syndrome. Also called: Tumor predisposition; Neoplastic Syndromes, Hereditary; Hereditary neoplastic syndrome; Hereditary Cancer Syndrome. Identifiers: Orphanet 140162, MedGen C0027672, MeSH D009386, MONDO:0015356.
Familial cancer of breast. Also called: BREAST CANCER, FAMILIAL; hereditary breast carcinoma; Hereditary breast cancer. Identifiers: Orphanet 227535, MedGen C0346153, MONDO:0016419, OMIM 114480. Disease mechanism: loss of function.

Allele frequency attached by ClinVar (database versions not stated): gnomAD 0.00003 and 0.00001; TOPMed 0.00004; 1000 Genomes Project 30x 0.00016; 1000 Genomes Project 0.00020; ExAC 0.00002; gnomAD exomes 0.00002.
gnomAD v4.1: 35 of 1,614,078 alleles (0.0022%); highest among the groups gnomAD compares: East Asian, 0.0089%; no homozygotes.

Submissions (9):

Labcorp Genetics (formerly Invitae), Labcorp
Classification: Likely benign for Familial cancer of breast. Last evaluated: 2026-01-20. Review status: criteria provided, single submitter. Criteria: Invitae Variant Classification Sherloc (09022015). Collection method: clinical testing. Allele origin: germline.

GeneDx
Classification: Uncertain significance. Last evaluated: 2025-09-15. Review status: criteria provided, single submitter. Criteria: GeneDx Variant Classification Process June 2021. Collection method: clinical testing. Allele origin: germline. Affected: yes.
Comment: Not observed at significant frequency in large population cohorts (gnomAD); In silico analysis suggests that this missense variant does not alter protein structure/function; Observed in individuals with breast and/or ovarian cancer but also in unaffected controls (PMID: 25225577, 28779002, 30309218, 33471991); This variant is associated with the following publications: (PMID: 24293293, 22895193, 25225577, 26976419, 30309218, 28779002, 31822803, 33471991, 36922933, 24485656, 40749126)

Quest Diagnostics Nichols Institute San Juan Capistrano
Classification: Uncertain significance. Last evaluated: 2025-01-31. Review status: criteria provided, single submitter. Criteria: Quest Diagnostics criteria. Collection method: clinical testing. Allele origin: unknown.
Comment: The PALB2 c.2329G>A (p.Asp777Asn) variant has been reported in the published literature in individuals affected with breast and/or ovarian cancer (PMID: 30309218 (2018)), as well as colorectal cancer (PMID: 28944238 (2017), 33309985 (2020)). It has also been identified in affected and reportedly healthy individuals in large-scale breast cancer association studies (PMIDs: 30287823 (2018), 33471991 (2021), see also LOVD). The frequency of this variant in the general population (Genome Aggregation Database) is uninformative in the assessment of its pathogenicity. Analysis of this variant using bioinformatics tools for the prediction of the effect of amino acid changes on protein structure and function yielded predictions that this variant is benign. Based on the available information, we are unable to determine the clinical significance of this variant.

Molecular Diagnostics Laboratory, Catalan Institute of Oncology
Classification: Uncertain significance for Hereditary cancer-predisposing syndrome. Last evaluated: 2024-10-14. Review status: criteria provided, single submitter. Criteria: ClinGen ACMG Specifications PALB2 V1.0.0. Collection method: clinical testing. Allele origin: germline.
Comment: BP1 c.2329G>A, located in exon 5 of the PALB2 gene, is predicted to result in the substitution of aspartic acid by asparagine at codon 777, p.(Asp777Asn). This position is outside a (potentially) clinically important functional domain and, moreover, the SpliceAI algorithm predicts no significant impact on splicing (BP1).This variant is found in 4/268309 alleles at a frequency of 0.001% in the gnomAD v2.1.1 database, non-cancer dataset. To our knowledge, no experimental evidence demonstrating an impact on protein function has been reported. This variant has been reported in cancer-affected and unaffected individuals in case-control studies (PMID:33471991, 25225577, 30309218). This variant has been reported in the ClinVar database (3x likely benign, 4x uncertain significance), and in the LOVD (2x benign, 1x uncertain significance). Based on currently available information, the variant c.2329G>A should be considered an uncertain significance variant, according to ClinGen Hereditary Breast, Ovarian and Pancreatic Cancer Expert Panel Specifications to the ACMG/AMP Variant Interpretation Guidelines for PALB2 Version 1.0.0.

Blueprint Genetics
Classification: Likely benign. Last evaluated: 2023-11-13. Review status: criteria provided, single submitter. Criteria: ACMG Guidelines, 2015. Collection method: clinical testing. Allele origin: germline.

Myriad Genetics, Inc.
Classification: Uncertain significance for Familial cancer of breast. Last evaluated: 2023-03-30. Review status: criteria provided, single submitter. Criteria: Myriad Autosomal Dominant, Autosomal Recessive and X-Linked Classification Criteria (2023). Collection method: clinical testing. Allele origin: unknown.
Comment: This variant is classified as a variant of uncertain significance as there is insufficient evidence to determine its impact on protein function and/or cancer risk.

Ambry Genetics
Classification: Likely benign for Hereditary cancer-predisposing syndrome. Last evaluated: 2017-11-01. Review status: criteria provided, single submitter. Criteria: Ambry Variant Classification Scheme 2023. Collection method: clinical testing. Allele origin: germline.

Color Diagnostics, LLC DBA Color Health
Classification: Likely benign for Hereditary cancer-predisposing syndrome. Last evaluated: 2017-01-23. Review status: criteria provided, single submitter. Criteria: ACMG Guidelines, 2015. Collection method: clinical testing. Allele origin: germline.

Counsyl
Classification: Uncertain significance for Familial cancer of breast. Last evaluated: 2015-12-04. Review status: no assertion criteria provided. Collection method: clinical testing. Allele origin: unknown. Not counted in ClinVar's aggregate classification.

Literature cited by the submitters: PubMed 25225577 (cited by Quest Diagnostics Nichols Institute San Juan Capistrano); PubMed 28944238 (cited by Quest Diagnostics Nichols Institute San Juan Capistrano); PubMed 28779002 (cited by Quest Diagnostics Nichols Institute San Juan Capistrano); PubMed 30287823 (cited by Quest Diagnostics Nichols Institute San Juan Capistrano); PubMed 30309218 (cited by Quest Diagnostics Nichols Institute San Juan Capistrano); PubMed 31822803 (cited by Quest Diagnostics Nichols Institute San Juan Capistrano); PubMed 33309985 (cited by Quest Diagnostics Nichols Institute San Juan Capistrano); PubMed 33747156 (cited by Quest Diagnostics Nichols Institute San Juan Capistrano); PubMed 39427061 (cited by Quest Diagnostics Nichols Institute San Juan Capistrano); PubMed 33471991 (cited by Quest Diagnostics Nichols Institute San Juan Capistrano).